The following is an entry in ClinVar:

ClinVar aggregate classification (germline): Pathogenic (1 of 4 stars; one submission).

Submission:

GeneDx
Classification: Pathogenic. Last evaluated: 2014-06-30. Review status: criteria provided, single submitter. Criteria: GeneDx Variant Classification (06012015). Collection method: clinical testing. Allele origin: germline. Affected: yes.
Comment: c.137_141delATTTT: p.Tyr46CysfsX24 (Y46CfsX24) in exon 3 of the LARS gene (NM_020117.9). The normal sequence with the bases that are deleted in braces is: AAGT{ATTTT}GTAA. The c.137_141delATTTT mutation in the LARS gene causes a frameshift starting with codon Tyrosine 46, changes this amino acid to a Cysteine residue and creates a premature Stop codon at position 24 of the new reading frame, denoted p.Tyr46CysfsX24. This mutation is predicted to cause loss of normal protein function either through protein truncation or nonsense-mediated mRNA decay. Although this mutation has not been previously reported to our knowledge, it is expected to be a pathogenic mutation. The variant is found in MITONUC-MITOP panel(s).

NM_020117.11(LARS1):c.137_141del (p.Tyr46fs)

Gene: LARS1 (leucyl-tRNA synthetase 1; minus strand). Cytogenetic location: 5q32.
Variant type: Deletion.
Coding change: c.137_141del on transcript NM_020117.11 (MANE Select); coding-DNA positions 137 to 141, 5 bases deleted (ATTTT; older notation c.137_141delATTTT).
Protein change: p.Tyr46fs; shifts the reading frame from tyrosine 46.
Molecular consequence: frameshift variant. On other transcripts: 5 prime UTR variant (1).
Genome position (GRCh38, 1-based): chr5:146,172,759-146,172,763, AAAAT deleted on the plus strand (ATTTT on the coding strand, the reverse complement: LARS1 is on the minus strand); deleting any 5 consecutive bases within chr5:146,172,759-146,172,764 gives the same sequence; the c. name uses the placement nearest the transcript's 3' end. VCF-style (leftmost placement, unchanged base first): chr5-146172758-CAAAAT-C. GRCh37 (hg19) VCF-style: chr5-145552321-CAAAAT-C.
Other names: c.137_141del, p.Tyr46fs (NM_001317964.2, NM_016460.4); c.-26_-22del (NM_001317965.2); short protein forms Y46fs.
Identifiers: ClinVar variation 214578 (VCV000214578.1), dbSNP rs863224047, ClinGen allele CA320504.